The following is an entry in ClinVar:

ClinVar aggregate classification (germline): Uncertain significance (1 of 4 stars; one submission).

gnomAD v4.1: 1 of 1,613,254 alleles (0.000062%); highest among the groups gnomAD compares: African/African-American, 0.0013%; no homozygotes.

Submission:

Labcorp Genetics (formerly Invitae), Labcorp
Classification: Uncertain significance. Last evaluated: 2025-12-23. Review status: criteria provided, single submitter. Criteria: Invitae Variant Classification Sherloc (09022015). Collection method: clinical testing. Allele origin: germline.
Comment: This sequence change replaces methionine, which is neutral and non-polar, with arginine, which is basic and polar, at codon 613 of the LZTR1 protein (p.Met613Arg). This variant is present in population databases (no rsID available, gnomAD 0.01%). This variant has not been reported in the literature in individuals affected with LZTR1-related conditions. Invitae Evidence Modeling of protein sequence and biophysical properties (such as structural, functional, and spatial information, amino acid conservation, physicochemical variation, residue mobility, and thermodynamic stability) indicates that this missense variant is not expected to disrupt LZTR1 protein function with a negative predictive value of 80%. In summary, the available evidence is currently insufficient to determine the role of this variant in disease. Therefore, it has been classified as a Variant of Uncertain Significance.

NM_006767.4(LZTR1):c.1838T>G (p.Met613Arg)

Gene: LZTR1 (leucine zipper like post translational regulator 1; plus strand). Cytogenetic location: 22q11.21.
Variant type: single nucleotide variant.
Coding change: c.1838T>G on transcript NM_006767.4 (MANE Select); coding-DNA position 1838, T replaced by G.
Protein change: p.Met613Arg; replaces methionine 613 with arginine.
Molecular consequence: missense variant.
Genome position (GRCh38, 1-based): chr22:20,994,922, T>G. VCF-style: chr22-20994922-T-G. GRCh37 (hg19) VCF-style: chr22-21349211-T-G.
Other names: short protein forms M613R.
Identifiers: ClinVar variation 4699829 (VCV004699829.1).
Genomic context (GRCh38, chr22:20,994,922, plus strand): 5'-TGCCCCAGGAGCACTGCCTGAACTTCGTGGTAAAGGAGTCCCACTTCAACCAGGTGATCA[T>G]GATGAAGGAGTTCGAGCGCCTCTCCTCTCCACTGATAGTGGAGATTGTGCGGCGGAAGCA-3'
Protein context (NP_006758.2, residues 603-623): VKESHFNQVI[Met613Arg]MKEFERLSSP